The following is an entry in ClinVar:

NM_007194.4(CHEK2):c.1378del (p.Leu460fs)

Gene: CHEK2 (checkpoint kinase 2; minus strand). Cytogenetic location: 22q12.1.
Variant type: Deletion.
Coding change: c.1378del on transcript NM_007194.4 (MANE Select); coding-DNA position 1378, one base deleted (C; older notation c.1378delC).
Protein change: p.Leu460fs; shifts the reading frame from leucine 460.
Molecular consequence: frameshift variant.
Genome position (GRCh38, 1-based): chr22:28,694,115, G deleted on the plus strand (C on the coding strand, the reverse complement: CHEK2 is on the minus strand). VCF-style (leftmost placement, unchanged base first): chr22-28694114-AG-A. GRCh37 (hg19) VCF-style: chr22-29090102-AG-A.
Other names: c.1507delC, p.Leu503Trpfs (NM_001005735.3); c.715delC, p.Leu239Trpfs (NM_001257387.3); c.1177delC, p.Leu393Trpfs (NM_001349956.3); c.1291delC, p.Leu431Trpfs (NM_145862.3); short protein forms L393fs, L503fs, L239fs, L431fs, L460fs.
Identifiers: ClinVar variation 2013856 (VCV002013856.4), dbSNP rs2517788723, ClinGen allele CA2580099391.

ClinVar aggregate classification (germline): Pathogenic (1 of 4 stars; one submission).

Conditions:
Familial cancer of breast. Also called: Hereditary breast cancer; BREAST CANCER, FAMILIAL; hereditary breast carcinoma. Identifiers: Orphanet 227535, MedGen C0346153, MONDO:0016419, OMIM 114480. Disease mechanism: loss of function.

Submission:

Labcorp Genetics (formerly Invitae), Labcorp
Classification: Pathogenic for Familial cancer of breast. Last evaluated: 2022-07-03. Review status: criteria provided, single submitter. Criteria: Invitae Variant Classification Sherloc (09022015). Collection method: clinical testing. Allele origin: germline.
Comment: This sequence change creates a premature translational stop signal (p.Leu460Trpfs*9) in the CHEK2 gene. It is expected to result in an absent or disrupted protein product. Loss-of-function variants in CHEK2 are known to be pathogenic (PMID: 21876083, 24713400). This variant is not present in population databases (gnomAD no frequency). This variant has not been reported in the literature in individuals affected with CHEK2-related conditions. For these reasons, this variant has been classified as Pathogenic.

Literature cited by the submitters: PubMed 21876083; PubMed 24713400.